The following is an entry in ClinVar:

ClinVar aggregate classification (germline): Benign. Review status: criteria provided, multiple submitters, no conflicts (2 of 4 stars). 2 submissions from 2 submitters: Benign (2). Last evaluated 2018-06-14.

Allele frequency attached by ClinVar (database versions not stated): TOPMed 0.07544; 1000 Genomes Project 0.07628; 1000 Genomes Project 30x 0.07745; gnomAD 0.08738 and 0.08858.
gnomAD v4.1: 103,755 of 968,140 alleles (11%); highest among the groups gnomAD compares: East Asian, 12%; 6,277 homozygotes.

Submissions (2):

GeneDx
Classification: Benign. Last evaluated: 2018-06-14. Review status: criteria provided, single submitter. Criteria: GeneDx Variant Classification (06012015). Collection method: clinical testing. Allele origin: germline. Affected: yes.
Comment: This variant is considered likely benign or benign based on one or more of the following criteria: it is a conservative change, it occurs at a poorly conserved position in the protein, it is predicted to be benign by multiple in silico algorithms, and/or has population frequency not consistent with disease.

Breakthrough Genomics
Classification: Benign. Review status: criteria provided, single submitter. Criteria: ACMG Guidelines, 2015. Collection method: not provided. Allele origin: germline. Inheritance: Autosomal recessive inheritance. Affected: yes.

NM_001377.3(DYNC2H1):c.7437+126A>C

Gene: DYNC2H1 (dynein cytoplasmic 2 heavy chain 1; plus strand). Cytogenetic location: 11q22.3.
Variant type: single nucleotide variant.
Coding change: c.7437+126A>C on transcript NM_001377.3 (MANE Select); 126 bases into the intron after coding-DNA position 7437, A replaced by C.
Molecular consequence: intron variant.
Genome position (GRCh38, 1-based): chr11:103,189,942, A>C. VCF-style: chr11-103189942-A-C. GRCh37 (hg19) VCF-style: chr11-103060671-A-C.
Other names: c.7437+126A>C (NM_001080463.2).
Identifiers: ClinVar variation 669891 (VCV000669891.2), dbSNP rs12577323, ClinGen allele CA13394862.